The following is an entry in ClinVar:

ClinVar aggregate classification (germline): Likely pathogenic (1 of 4 stars; one submission).

Conditions:
Joubert syndrome. Also called: Familial aplasia of the vermis; CEREBELLOPARENCHYMAL DISORDER IV; JOUBERT-BOLTSHAUSER SYNDROME. Identifiers: Orphanet 475, MedGen C5979921, MONDO:0018772.
Meckel-Gruber syndrome. Also called: Dysencephalia splachnocystica; DYSENCEPHALIA SPLANCHNOCYSTICA; GRUBER SYNDROME. Identifiers: Orphanet 564, MedGen C0265215, MONDO:0018921.

Allele frequency attached by ClinVar (database versions not stated): gnomAD exomes below 0.00001 and 0.00001; ExAC 0.00001.
gnomAD v4.1: 3 of 1,613,880 alleles (0.00019%); highest among the groups gnomAD compares: Non-Finnish European, 0.00025%; no homozygotes.

Submission:

Labcorp Genetics (formerly Invitae), Labcorp
Classification: Likely pathogenic for Joubert syndrome; Meckel-Gruber syndrome. Last evaluated: 2024-08-20. Review status: criteria provided, single submitter. Criteria: Invitae Variant Classification Sherloc (09022015). Collection method: clinical testing. Allele origin: germline.
Comment: This sequence change affects an acceptor splice site in intron 13 of the MKS1 gene. It is expected to disrupt RNA splicing. Variants that disrupt the donor or acceptor splice site typically lead to a loss of protein function (PMID: 16199547), and loss-of-function variants in MKS1 are known to be pathogenic (PMID: 19466712, 24886560, 26490104). This variant is present in population databases (rs776174898, gnomAD 0.0009%). This variant has not been reported in the literature in individuals affected with MKS1-related conditions. ClinVar contains an entry for this variant (Variation ID: 1067366). Algorithms developed to predict the effect of sequence changes on RNA splicing suggest that this variant may disrupt the consensus splice site. In summary, the currently available evidence indicates that the variant is pathogenic, but additional data are needed to prove that conclusively. Therefore, this variant has been classified as Likely Pathogenic.

Literature cited by the submitters: PubMed 16199547; PubMed 19466712; PubMed 24886560; PubMed 26490104.

NM_017777.4(MKS1):c.1166-1G>C

Gene: MKS1 (MKS transition zone complex subunit 1; minus strand). Cytogenetic location: 17q22.
Variant type: single nucleotide variant.
Coding change: c.1166-1G>C on transcript NM_017777.4 (MANE Select); the canonical splice acceptor site of the intron before coding-DNA position 1166, G replaced by C.
Molecular consequence: splice acceptor variant.
Genome position (GRCh38, 1-based): chr17:58,208,002, C>G on the plus strand (G>C on the coding strand, the complement: MKS1 is on the minus strand). VCF-style: chr17-58208002-C-G. GRCh37 (hg19) VCF-style: chr17-56285363-C-G.
Other names: c.557-1G>C (NM_001321268.2); c.1166-1G>C (NM_001330397.2, NM_001321269.2, NM_001411113.1).
Identifiers: ClinVar variation 1067366 (VCV001067366.7), dbSNP rs776174898, ClinGen allele CA8669236.